The following is an entry in ClinVar:

ClinVar aggregate classification (germline): Benign (0 of 4 stars; one submission).

Conditions:
PADI3-related disorder. Also called: PADI3-related condition.

Allele frequency attached by ClinVar (database versions not stated): ESP Exome Variant Server 0.08896; gnomAD 0.09302; TOPMed 0.09467; gnomAD exomes 0.09791; ExAC 0.10954; 1000 Genomes Project 30x 0.13117; 1000 Genomes Project 0.13399.
gnomAD v4.1: 157,630 of 1,613,328 alleles (9.8%); highest among the groups gnomAD compares: South Asian, 20%; 8,568 homozygotes.

Submission:

PreventionGenetics, part of Exact Sciences
Classification: Benign for PADI3-related condition. Last evaluated: 2019-03-15. Review status: no assertion criteria provided. Collection method: clinical testing. Allele origin: germline.
Comment: This variant is classified as benign based on ACMG/AMP sequence variant interpretation guidelines (Richards et al. 2015 PMID: 25741868, with internal and published modifications).

NM_016233.2(PADI3):c.154A>G (p.Ile52Val)

Gene: PADI3 (peptidyl arginine deiminase 3; plus strand). Cytogenetic location: 1p36.13.
Variant type: single nucleotide variant.
Coding change: c.154A>G on transcript NM_016233.2 (MANE Select); coding-DNA position 154, A replaced by G.
Protein change: p.Ile52Val; replaces isoleucine 52 with valine.
Molecular consequence: missense variant.
Genome position (GRCh38, 1-based): chr1:17,259,639, A>G. VCF-style: chr1-17259639-A-G. GRCh37 (hg19) VCF-style: chr1-17586134-A-G.
Other names: short protein forms I52V.
Identifiers: ClinVar variation 3059385 (VCV003059385.2), dbSNP rs3750300, ClinGen allele CA639574.